The following is an entry in ClinVar:

ClinVar aggregate classification (germline): Benign/Likely benign. Review status: criteria provided, multiple submitters, no conflicts (2 of 4 stars). 4 submissions from 4 submitters: Benign (3); Likely benign (1). Last evaluated 2026-02-01.

Conditions:
Familial cold autoinflammatory syndrome 3 (FCAS3). Also called: FAMILIAL ATYPICAL COLD URTICARIA; ANTIBODY DEFICIENCY AND IMMUNE DYSREGULATION, PLCG2-ASSOCIATED. Identifiers: Orphanet 300359, MedGen C3280914, MONDO:0013766, OMIM 614468.

Allele frequency attached by ClinVar (database versions not stated): gnomAD 0.00228 and 0.00157; gnomAD exomes 0.00355 and 0.00545; 1000 Genomes Project 0.00499; 1000 Genomes Project 30x 0.00531; ExAC 0.00612; ESP Exome Variant Server 0.00184; TOPMed 0.00194.
gnomAD v4.1: 5,612 of 1,612,688 alleles (0.35%); highest among the groups gnomAD compares: South Asian, 2.5%; 66 homozygotes.

Submissions (4):

Labcorp Genetics (formerly Invitae), Labcorp
Classification: Benign for Familial cold autoinflammatory syndrome 3. Last evaluated: 2026-02-01. Review status: criteria provided, single submitter. Criteria: Invitae Variant Classification Sherloc (09022015). Collection method: clinical testing. Allele origin: germline.

Blueprint Genetics
Classification: Likely benign. Last evaluated: 2024-11-27. Review status: criteria provided, single submitter. Criteria: ACMG Guidelines, 2015. Collection method: clinical testing. Allele origin: germline.

ARUP Laboratories, Molecular Genetics and Genomics, ARUP Laboratories
Classification: Benign. Last evaluated: 2023-06-28. Review status: criteria provided, single submitter. Criteria: ARUP Molecular Germline Variant Investigation Process 2024. Collection method: clinical testing. Allele origin: germline.

Mayo Clinic Laboratories, Mayo Clinic
Classification: Benign. Last evaluated: 2022-07-26. Review status: criteria provided, single submitter. Criteria: ACMG Guidelines, 2015. Collection method: clinical testing. Allele origin: germline. Observed: 12 variant alleles.
Comment: BS1, BS2

NM_002661.5(PLCG2):c.2011A>G (p.Ile671Val)

Gene: PLCG2 (phospholipase C gamma 2; plus strand). Cytogenetic location: 16q23.3.
Variant type: single nucleotide variant.
Coding change: c.2011A>G on transcript NM_002661.5 (MANE Select); coding-DNA position 2011, A replaced by G.
Protein change: p.Ile671Val; replaces isoleucine 671 with valine.
Molecular consequence: missense variant.
Genome position (GRCh38, 1-based): chr16:81,912,673, A>G. VCF-style: chr16-81912673-A-G. GRCh37 (hg19) VCF-style: chr16-81946278-A-G.
Other names: short protein forms I671V.
Identifiers: ClinVar variation 440160 (VCV000440160.23), dbSNP rs150833842, ClinGen allele CA8194036.